The following is an entry in ClinVar:

ClinVar aggregate classification (germline): Uncertain significance (1 of 4 stars; one submission).

Conditions:
Holoprosencephaly 4 (HPE4). Identifiers: Orphanet 2162, MedGen C1840528, MONDO:0007734, OMIM 142946.

Submission:

Victorian Clinical Genetics Services, Murdoch Childrens Research Institute
Classification: Uncertain significance for Holoprosencephaly 4. Last evaluated: 2019-08-28. Review status: criteria provided, single submitter. Criteria: ACMG Guidelines, 2015. Collection method: clinical testing. Allele origin: germline. Inheritance: Autosomal dominant inheritance. Affected: yes.
Comment: A heterozygous missense variant, NM_170695.3(TGIF1):c.104C>A, has been identified in exon 1 of 3 of the TGIF1 gene. NB: This variant is non-coding in alternative transcripts. The variant is predicted to result in a moderate amino acid change from proline to histidine at position 35 of the protein (NP_733796.2(TGIF1):p.(Pro35His)). The proline residue at this position has low conservation (100 vertebrates, UCSC), and is located within the MLIP super family domain. In silico predictions of pathogenicity for this variant are conflicting (Polyphen, SIFT, CADD, Mutation Taster). The variant is absent in population databases (gnomAD) and has not been previously reported in clinical cases. Based on the information available at the time of curation, this variant has been classified as a VARIANT of UNCERTAIN SIGNIFICANCE (VUS).

NM_003244.4(TGIF1):c.16+1578C>A

Gene: TGIF1 (TGFB induced factor homeobox 1; plus strand). Cytogenetic location: 18p11.31.
Variant type: single nucleotide variant.
Coding change: c.16+1578C>A on transcript NM_003244.4 (MANE Select); 1578 bases into the intron after coding-DNA position 16, C replaced by A.
Molecular consequence: intron variant. On other transcripts: 5 prime UTR variant (1).
Genome position (GRCh38, 1-based): chr18:3,452,083, C>A. VCF-style: chr18-3452083-C-A. GRCh37 (hg19) VCF-style: chr18-3452081-C-A.
Other names: c.-344C>A (NM_170695.5); c.-44-4271C>A (NM_174886.3, NM_001278686.3); c.59-4271C>A (NM_173207.4); c.-45+3544C>A (NM_001374396.1); c.25+2427C>A (NM_001278682.2); c.16+1578C>A (NM_173208.3, NM_001278684.2); c.-45+2013C>A (NM_173209.3); c.-45+308C>A (NM_173210.4); and 1 more.
Identifiers: ClinVar variation 1804888 (VCV001804888.1), dbSNP rs2510031133, ClinGen allele CA401721654.